The following is an entry in ClinVar:

ClinVar aggregate classification (germline): Uncertain significance (1 of 4 stars; one submission).

Conditions:
Autosomal recessive ataxia, Beauce type. Also called: SYNE1-Related Autosomal Recessive Cerebellar Ataxia; Spinocerebellar ataxia, autosomal recessive 8; ATAXIA, RECESSIVE, OF BEAUCE; SYNE1 Deficiency. Identifiers: Orphanet 88644, MedGen C1853116, MONDO:0012549, OMIM 610743.
Emery-Dreifuss muscular dystrophy 4, autosomal dominant (EDMD4). Also called: EMERY-DREIFUSS MUSCULAR DYSTROPHY 4 WITH VARIABLE FEATURES. Identifiers: Orphanet 261, MedGen C2751807, MONDO:0013071, OMIM 612998.

Submission:

Labcorp Genetics (formerly Invitae), Labcorp
Classification: Uncertain significance for Emery-Dreifuss muscular dystrophy 4, autosomal dominant; Autosomal recessive ataxia, Beauce type. Last evaluated: 2025-07-13. Review status: criteria provided, single submitter. Criteria: Invitae Variant Classification Sherloc (09022015). Collection method: clinical testing. Allele origin: germline.
Comment: This sequence change replaces lysine, which is basic and polar, with arginine, which is basic and polar, at codon 2889 of the SYNE1 protein (p.Lys2889Arg). This variant is not present in population databases (gnomAD no frequency). This variant has not been reported in the literature in individuals affected with SYNE1-related conditions. An algorithm developed to predict the effect of missense changes on protein structure and function (PolyPhen-2) suggests that this variant is likely to be disruptive. In summary, the available evidence is currently insufficient to determine the role of this variant in disease. Therefore, it has been classified as a Variant of Uncertain Significance.

NM_182961.4(SYNE1):c.8645A>G (p.Lys2882Arg)

Genes: SYNE1 (spectrin repeat containing nuclear envelope protein 1; minus strand), LOC126859838 (CDK7 strongly-dependent group 2 enhancer GRCh37_chr6:152706655-152707854; plus strand). Cytogenetic location: 6q25.2.
Variant type: single nucleotide variant.
Coding change: c.8645A>G on transcript NM_182961.4 (MANE Select); coding-DNA position 8645, A replaced by G.
Protein change: p.Lys2882Arg; replaces lysine 2882 with arginine.
Molecular consequence: missense variant.
Genome position (GRCh38, 1-based): chr6:152,385,681, T>C on the plus strand (A>G on the coding strand, the complement: SYNE1 is on the minus strand). VCF-style: chr6-152385681-T-C. GRCh37 (hg19) VCF-style: chr6-152706816-T-C.
Other names: c.8666A>G, p.Lys2889Arg (NM_033071.5); short protein forms K2882R, K2889R.
Identifiers: ClinVar variation 4785563 (VCV004785563.1).